The following is an entry in ClinVar:

ClinVar aggregate classification (germline): Uncertain significance. Review status: criteria provided, multiple submitters, no conflicts (2 of 4 stars). 2 submissions from 2 submitters: Uncertain significance (2). Last evaluated 2026-05-23.

Conditions:
Cardiovascular phenotype. Identifiers: MedGen CN230736.

Allele frequency attached by ClinVar (database versions not stated): 1000 Genomes Project 30x 0.00016; gnomAD exomes below 0.00001; ExAC 0.00001; gnomAD 0.00001; 1000 Genomes Project 0.00020.
gnomAD v4.1: 1 of 1,613,880 alleles (0.000062%); highest among the groups gnomAD compares: South Asian, 0.0011%; no homozygotes.

Submissions (2):

Ambry Genetics
Classification: Uncertain significance for Cardiovascular phenotype. Last evaluated: 2026-05-23. Review status: criteria provided, single submitter. Criteria: Ambry Variant Classification Scheme 2023. Collection method: clinical testing. Allele origin: germline.
Comment: The p.D817V variant (also known as c.2450A>T), located in coding exon 18 of the DSP gene, results from an A to T substitution at nucleotide position 2450. The aspartic acid at codon 817 is replaced by valine, an amino acid with highly dissimilar properties. This amino acid position is conserved. In addition, this alteration is predicted to be deleterious by in silico analysis. Based on the available evidence, the clinical significance of this variant remains unclear.

GeneDx
Classification: Uncertain significance. Last evaluated: 2024-09-25. Review status: criteria provided, single submitter. Criteria: GeneDx Variant Classification Process June 2021. Collection method: clinical testing. Allele origin: germline. Affected: yes.
Comment: Not observed at significant frequency in large population cohorts (gnomAD); In silico analysis supports that this missense variant has a deleterious effect on protein structure/function; Has not been previously published as pathogenic or benign to our knowledge

NM_004415.4(DSP):c.2450A>T (p.Asp817Val)

Gene: DSP (desmoplakin; plus strand). Cytogenetic location: 6p24.3.
Variant type: single nucleotide variant.
Coding change: c.2450A>T on transcript NM_004415.4 (MANE Select); coding-DNA position 2450, A replaced by T.
Protein change: p.Asp817Val; replaces aspartic acid 817 with valine.
Molecular consequence: missense variant.
Genome position (GRCh38, 1-based): chr6:7,575,308, A>T. VCF-style: chr6-7575308-A-T. GRCh37 (hg19) VCF-style: chr6-7575541-A-T.
Other names: c.2450A>T, p.Asp817Val (NM_001008844.3, NM_001319034.2); short protein forms D817V.
Identifiers: ClinVar variation 1697119 (VCV001697119.4), dbSNP rs533471835, ClinGen allele CA033528.